The following is an entry in ClinVar:

ClinVar aggregate classification (germline): Likely benign (1 of 4 stars; one submission).

Conditions:
COL4A1-related disorder. Also called: COL4A1-related condition; COL4A1-related disorders. Identifiers: MedGen CN376119, MONDO:0800461.

gnomAD v4.1: 1 of 1,608,518 alleles (0.000062%); highest among the groups gnomAD compares: East Asian, 0.0022%; no homozygotes.

Submission:

PreventionGenetics, part of Exact Sciences
Classification: Likely benign for COL4A1-related condition. Last evaluated: 2026-03-12. Review status: criteria provided, single submitter. Criteria: ACMG Guidelines, 2015. Collection method: clinical testing. Allele origin: germline.
Comment: This variant is classified as likely benign based on ACMG/AMP sequence variant interpretation guidelines (Richards et al. 2015 PMID: 25741868, with internal and published modifications).

NM_001845.6(COL4A1):c.4104A>T (p.Pro1368=)

Gene: COL4A1 (collagen type IV alpha 1 chain; minus strand). Cytogenetic location: 13q34.
Variant type: single nucleotide variant.
Coding change: c.4104A>T on transcript NM_001845.6 (MANE Select); coding-DNA position 4104, A replaced by T.
Protein change: p.Pro1368=; no amino-acid change (proline 1368 retained).
Molecular consequence: synonymous variant.
Genome position (GRCh38, 1-based): chr13:110,164,908, T>A on the plus strand (A>T on the coding strand, the complement: COL4A1 is on the minus strand). VCF-style: chr13-110164908-T-A. GRCh37 (hg19) VCF-style: chr13-110817255-T-A.
Identifiers: ClinVar variation 4999452 (VCV004999452.1).